The following is an entry in ClinVar:

ClinVar aggregate classification (germline): Uncertain significance (1 of 4 stars; one submission).

Allele frequency attached by ClinVar (database versions not stated): gnomAD 0.00001; gnomAD exomes 0.00002; TOPMed 0.00002; ExAC 0.00003.
gnomAD v4.1: 9 of 1,613,726 alleles (0.00056%); highest among the groups gnomAD compares: African/African-American, 0.004%; no homozygotes.

Submissions (2):

Labcorp Genetics (formerly Invitae), Labcorp
Classification: Uncertain significance. Last evaluated: 2024-10-29. Review status: criteria provided, single submitter. Criteria: Invitae Variant Classification Sherloc (09022015). Collection method: clinical testing. Allele origin: germline.
Comment: This sequence change replaces glycine, which is neutral and non-polar, with arginine, which is basic and polar, at codon 115 of the COQ9 protein (p.Gly115Arg). This variant is present in population databases (rs772822816, gnomAD 0.01%). This variant has not been reported in the literature in individuals affected with COQ9-related conditions. ClinVar contains an entry for this variant (Variation ID: 1441806). An algorithm developed to predict the effect of missense changes on protein structure and function (PolyPhen-2) suggests that this variant is likely to be disruptive. In summary, the available evidence is currently insufficient to determine the role of this variant in disease. Therefore, it has been classified as a Variant of Uncertain Significance.

Dr. Peter K. Rogan Lab, Western University
No classification provided (evidence only). Condition: Clear cell carcinoma of kidney. Review status: no classification provided. Collection method: in vitro. Allele origin: not applicable. Functional consequence: retained intron. Not counted in ClinVar's aggregate classification.

NM_020312.4(COQ9):c.343G>A (p.Gly115Arg)

Gene: COQ9 (coenzyme Q9; plus strand). Cytogenetic location: 16q21.
Variant type: single nucleotide variant.
Coding change: c.343G>A on transcript NM_020312.4 (MANE Select); coding-DNA position 343, G replaced by A.
Protein change: p.Gly115Arg; replaces glycine 115 with arginine.
Molecular consequence: missense variant.
Genome position (GRCh38, 1-based): chr16:57,452,901, G>A. VCF-style: chr16-57452901-G-A. GRCh37 (hg19) VCF-style: chr16-57486813-G-A.
Other names: short protein forms G115R.
Identifiers: ClinVar variation 1441806 (VCV001441806.7), dbSNP rs772822816, ClinGen allele CA8076157.
Genomic context (GRCh38, chr16:57,452,901, plus strand): 5'-AGTGAGGAGCAGTTGCAGCACCGCATCCTGACGGCAGCCCTTGAGTTTGTGCCCGCCCAC[G>A]GGTGGACAGCAGAGGCGATTGCAGAAGGAGCCCAGGTGTGTATAGGTGAGGGTGGGGCCA-3'
Protein context (NP_064708.1, residues 105-125): TAALEFVPAH[Gly115Arg]WTAEAIAEGA